The following is an entry in ClinVar:

ClinVar aggregate classification (germline): Likely pathogenic (1 of 4 stars; one submission).

Conditions:
Dilated cardiomyopathy 1G (CMD1G). Identifiers: Orphanet 154, MedGen C1858763, MONDO:0011400, OMIM 604145.
Autosomal recessive limb-girdle muscular dystrophy type 2J (LGMDR10). Also called: Limb-girdle muscular dystrophy, type 2J; MUSCULAR DYSTROPHY, LIMB-GIRDLE, AUTOSOMAL RECESSIVE 10. Identifiers: Orphanet 140922, MedGen C1837342, MONDO:0012127, OMIM 608807.

Submission:

Labcorp Genetics (formerly Invitae), Labcorp
Classification: Likely pathogenic for Dilated cardiomyopathy 1G; Autosomal recessive limb-girdle muscular dystrophy type 2J. Last evaluated: 2024-11-05. Review status: criteria provided, single submitter. Criteria: Invitae Variant Classification Sherloc (09022015). Collection method: clinical testing. Allele origin: germline.
Comment: This sequence change creates a premature translational stop signal (p.Arg29027Glufs*10) in the TTN gene. While this is not anticipated to result in nonsense mediated decay, it is expected to create a truncated TTN protein. This variant is not present in population databases (gnomAD no frequency). This variant has not been reported in the literature in individuals affected with TTN-related conditions. ClinVar contains an entry for this variant (Variation ID: 2941059). This variant is located in the A band of TTN (PMID: 25589632). Truncating variants in this region are significantly overrepresented in patients affected with dilated cardiomyopathy (PMID: 25589632). Truncating variants in this region have also been reported in individuals affected with autosomal recessive centronuclear myopathy (PMID: 23975875). In summary, the currently available evidence indicates that the variant is pathogenic, but additional data are needed to prove that conclusively. Therefore, this variant has been classified as Likely Pathogenic.

Literature cited by the submitters: PubMed 25589632; PubMed 23975875.

NM_001267550.2(TTN):c.87077dup (p.Arg29027fs)

Genes: TTN (titin; minus strand), TTN-AS1 (TTN antisense RNA 1; plus strand). Cytogenetic location: 2q31.2.
Variant type: Duplication.
Coding change: c.87077dup on transcript NM_001267550.2 (MANE Select); coding-DNA position 87077, one base duplicated (C; older notation c.87077dupC).
Protein change: p.Arg29027fs; shifts the reading frame from arginine 29027.
Molecular consequence: frameshift variant.
Genome position (GRCh38, 1-based): chr2:178,558,382, G duplicated on the plus strand (C on the coding strand, the reverse complement: TTN is on the minus strand); the first of 3 consecutive G bases (chr2:178,558,382-178,558,384); duplicating any one gives the same sequence. VCF-style (leftmost placement, unchanged base first): chr2-178558381-C-CG. GRCh37 (hg19) VCF-style: chr2-179423108-C-CG.
Other names: c.82154dup, p.Arg27386fs (NM_001256850.1); c.59882dup, p.Arg19962fs (NM_003319.4); c.79373dup, p.Arg26459fs (NM_133378.4); c.60257dup, p.Arg20087fs (NM_133432.3); c.60458dup, p.Arg20154fs (NM_133437.4); short protein forms R29027fs, R20154fs, R26459fs, R20087fs, R19962fs, R27386fs.
Identifiers: ClinVar variation 2941059 (VCV002941059.3), dbSNP rs2469569400, ClinGen allele CA2740096008.